The following is an entry in ClinVar:

NM_001377.3(DYNC2H1):c.5783G>A (p.Gly1928Glu)

Gene: DYNC2H1 (dynein cytoplasmic 2 heavy chain 1; plus strand). Cytogenetic location: 11q22.3.
Variant type: single nucleotide variant.
Coding change: c.5783G>A on transcript NM_001377.3 (MANE Select); coding-DNA position 5783, G replaced by A.
Protein change: p.Gly1928Glu; replaces glycine 1928 with glutamic acid.
Molecular consequence: missense variant.
Genome position (GRCh38, 1-based): chr11:103,176,343, G>A. VCF-style: chr11-103176343-G-A. GRCh37 (hg19) VCF-style: chr11-103047072-G-A.
Other names: c.5783G>A, p.Gly1928Glu (NM_001080463.2); short protein forms G1928E.
Identifiers: ClinVar variation 1498622 (VCV001498622.5), dbSNP rs1164274164, ClinGen allele CA382244406.

ClinVar aggregate classification (germline): Uncertain significance. Review status: criteria provided, multiple submitters, no conflicts (2 of 4 stars). 2 submissions from 2 submitters: Uncertain significance (2). Last evaluated 2025-04-16.

Conditions:
Jeune thoracic dystrophy. Also called: Short-rib thoracic dysplasia; Jeune syndrome; Infantile thoracic dystrophy; Thoracic pelvic phalangeal dystrophy; Jeune's syndrome; Chondroectodermal dysplasia-like syndrome. Identifiers: Orphanet 474, MedGen C0265275, MONDO:0018770.

Allele frequency attached by ClinVar (database versions not stated): gnomAD exomes below 0.00001; TOPMed below 0.00001.
gnomAD v4.1: 11 of 1,585,460 alleles (0.00069%); highest among the groups gnomAD compares: South Asian, 0.0012%; no homozygotes.

Submissions (2):

Labcorp Genetics (formerly Invitae), Labcorp
Classification: Uncertain significance for Jeune thoracic dystrophy. Last evaluated: 2025-04-16. Review status: criteria provided, single submitter. Criteria: Invitae Variant Classification Sherloc (09022015). Collection method: clinical testing. Allele origin: germline.
Comment: This sequence change replaces glycine, which is neutral and non-polar, with glutamic acid, which is acidic and polar, at codon 1928 of the DYNC2H1 protein (p.Gly1928Glu). The frequency data for this variant in the population databases is considered unreliable, as metrics indicate poor data quality at this position in the gnomAD database. This variant has not been reported in the literature in individuals affected with DYNC2H1-related conditions. ClinVar contains an entry for this variant (Variation ID: 1498622). Invitae Evidence Modeling of protein sequence and biophysical properties (such as structural, functional, and spatial information, amino acid conservation, physicochemical variation, residue mobility, and thermodynamic stability) indicates that this missense variant is expected to disrupt DYNC2H1 protein function with a positive predictive value of 95%. In summary, the available evidence is currently insufficient to determine the role of this variant in disease. Therefore, it has been classified as a Variant of Uncertain Significance.

Blueprint Genetics
Classification: Uncertain significance. Last evaluated: 2022-05-11. Review status: criteria provided, single submitter. Criteria: ACMG Guidelines, 2015. Collection method: clinical testing. Allele origin: germline.